The following is an entry in ClinVar:

ClinVar aggregate classification (germline): Uncertain significance (1 of 4 stars; one submission).

Conditions:
ALG6-congenital disorder of glycosylation 1C (CDG1C). Also called: CARBOHYDRATE-DEFICIENT GLYCOPROTEIN SYNDROME, TYPE I, WITH DEFICIENT GLYCOSYLATION OF DOLICHOL-LINKED OLIGOSACCHARIDE; CARBOHYDRATE-DEFICIENT GLYCOPROTEIN SYNDROME, TYPE V; CDG Ic; Congenital disorder of glycosylation type 1C; Congenital disorder of glycosylation, type Ic. Identifiers: Orphanet 79320, MedGen C2930997, MONDO:0011291, OMIM 603147.

Submission:

Labcorp Genetics (formerly Invitae), Labcorp
Classification: Uncertain significance for ALG6-congenital disorder of glycosylation 1C. Last evaluated: 2022-08-16. Review status: criteria provided, single submitter. Criteria: Invitae Variant Classification Sherloc (09022015). Collection method: clinical testing. Allele origin: germline.
Comment: This sequence change falls in intron 12 of the ALG6 gene. It does not directly change the encoded amino acid sequence of the ALG6 protein. It affects a nucleotide within the consensus splice site. This variant is not present in population databases (gnomAD no frequency). This variant has not been reported in the literature in individuals affected with ALG6-related conditions. ClinVar contains an entry for this variant (Variation ID: 1378615). In summary, the available evidence is currently insufficient to determine the role of this variant in disease. Therefore, it has been classified as a Variant of Uncertain Significance. Variants that disrupt the consensus splice site are a relatively common cause of aberrant splicing (PMID: 17576681, 9536098). Algorithms developed to predict the effect of sequence changes on RNA splicing suggest that this variant may disrupt the consensus splice site.

Literature cited by the submitters: PubMed 17576681; PubMed 9536098.

NM_013339.4(ALG6):c.1058+6T>C

Gene: ALG6 (ALG6 alpha-1,3-glucosyltransferase; plus strand). Cytogenetic location: 1p31.3.
Variant type: single nucleotide variant.
Coding change: c.1058+6T>C on transcript NM_013339.4 (MANE Select); 6 bases into the intron after coding-DNA position 1058, T replaced by C.
Molecular consequence: intron variant.
Genome position (GRCh38, 1-based): chr1:63,419,446, T>C. VCF-style: chr1-63419446-T-C. GRCh37 (hg19) VCF-style: chr1-63885117-T-C.
Identifiers: ClinVar variation 1378615 (VCV001378615.6), dbSNP rs1644562441, ClinGen allele CA1171483216.